The following is an entry in ClinVar:

ClinVar aggregate classification (germline): Uncertain significance (1 of 4 stars; one submission).

Allele frequency attached by ClinVar (database versions not stated): gnomAD exomes below 0.00001; ExAC 0.00001; gnomAD 0.00001; 1000 Genomes Project 30x 0.00016; 1000 Genomes Project 0.00020.
gnomAD v4.1: 3 of 1,613,976 alleles (0.00019%); highest among the groups gnomAD compares: East Asian, 0.0067%; no homozygotes.

Submission:

GeneDx
Classification: Uncertain significance. Last evaluated: 2022-11-03. Review status: criteria provided, single submitter. Criteria: GeneDx Variant Classification Process June 2021. Collection method: clinical testing. Allele origin: germline. Affected: yes.
Comment: Has not been previously published as pathogenic or benign to our knowledge; Not observed at significant frequency in large population cohorts (gnomAD); Not located in one of the three hot-spot regions of the RYR2 gene, where the majority of pathogenic missense variants occur (Medeiros-Domingo et al., 2009); In silico analysis supports that this missense variant has a deleterious effect on protein structure/function; This variant is associated with the following publications: (PMID: 19926015)

NM_001035.3(RYR2):c.2273G>C (p.Cys758Ser)

Gene: RYR2 (ryanodine receptor 2; plus strand). Cytogenetic location: 1q43.
Variant type: single nucleotide variant.
Coding change: c.2273G>C on transcript NM_001035.3 (MANE Select); coding-DNA position 2273, G replaced by C.
Protein change: p.Cys758Ser; replaces cysteine 758 with serine.
Molecular consequence: missense variant.
Genome position (GRCh38, 1-based): chr1:237,500,780, G>C. VCF-style: chr1-237500780-G-C. GRCh37 (hg19) VCF-style: chr1-237664080-G-C.
Other names: short protein forms C758S.
Identifiers: ClinVar variation 2501601 (VCV002501601.1), dbSNP rs576266353, ClinGen allele CA086002.